The following is an entry in ClinVar:

NM_001277115.2(DNAH11):c.5395A>C (p.Ile1799Leu)

Gene: DNAH11 (dynein axonemal heavy chain 11; plus strand). Cytogenetic location: 7p15.3.
Variant type: single nucleotide variant.
Coding change: c.5395A>C on transcript NM_001277115.2 (MANE Select); coding-DNA position 5395, A replaced by C.
Protein change: p.Ile1799Leu; replaces isoleucine 1799 with leucine.
Molecular consequence: missense variant.
Genome position (GRCh38, 1-based): chr7:21,681,612, A>C. VCF-style: chr7-21681612-A-C. GRCh37 (hg19) VCF-style: chr7-21721230-A-C.
Other names: c.5410A>C, p.Ile1804Leu (NM_003777.3); short protein forms I1799L, I1804L.
Identifiers: ClinVar variation 2601591 (VCV002601591.6), dbSNP rs1366183602, ClinGen allele CA366946847.

ClinVar aggregate classification (germline): Conflicting classifications of pathogenicity. Review status: criteria provided, conflicting classifications (1 of 4 stars). 2 submissions from 2 submitters: Uncertain significance (1); Benign (1). Last evaluated 2026-06-01.

Conditions:
Primary ciliary dyskinesia. Also called: Ciliary dyskinesia. Identifiers: Orphanet 244, MedGen C0008780, MONDO:0016575, HP:0012265.

Allele frequency attached by ClinVar (database versions not stated): gnomAD 0.00001; TOPMed 0.00002.
gnomAD v4.1: 10 of 1,613,814 alleles (0.00062%); highest among the groups gnomAD compares: African/African-American, 0.0013%; no homozygotes.

Submissions (2):

Ambry Genetics
Classification: Uncertain significance for Primary ciliary dyskinesia. Last evaluated: 2026-06-01. Review status: criteria provided, single submitter. Criteria: Ambry Variant Classification Scheme 2023. Collection method: clinical testing. Allele origin: germline.
Comment: The p.I1799L variant (also known as c.5395A>C), located in coding exon 31 of the DNAH11 gene, results from an A to C substitution at nucleotide position 5395. The isoleucine at codon 1799 is replaced by leucine, an amino acid with highly similar properties. This amino acid position is conserved. In addition, this alteration is predicted to be tolerated by in silico analysis. Based on the available evidence, the clinical significance of this variant remains unclear.

Labcorp Genetics (formerly Invitae), Labcorp
Classification: Benign for Primary ciliary dyskinesia. Last evaluated: 2023-12-14. Review status: criteria provided, single submitter. Criteria: Invitae Variant Classification Sherloc (09022015). Collection method: clinical testing. Allele origin: germline.